The following is an entry in ClinVar:

ClinVar aggregate classification (germline): Uncertain significance (1 of 4 stars; one submission).

Conditions:
Pitt-Hopkins-like syndrome 2 (PTHSL2). Identifiers: Orphanet 221150, Orphanet 600663, MedGen C3280479, MONDO:0013690, OMIM 614325.

Submission:

Labcorp Genetics (formerly Invitae), Labcorp
Classification: Uncertain significance for Pitt-Hopkins-like syndrome 2. Last evaluated: 2025-07-27. Review status: criteria provided, single submitter. Criteria: Invitae Variant Classification Sherloc (09022015). Collection method: clinical testing. Allele origin: germline.
Comment: This sequence change replaces cysteine, which is neutral and slightly polar, with phenylalanine, which is neutral and non-polar, at codon 1149 of the NRXN1 protein (p.Cys1149Phe). This variant is not present in population databases (gnomAD no frequency). This variant has not been reported in the literature in individuals affected with NRXN1-related conditions. An algorithm developed to predict the effect of missense changes on protein structure and function (PolyPhen-2) suggests that this variant is likely to be disruptive. In summary, the available evidence is currently insufficient to determine the role of this variant in disease. Therefore, it has been classified as a Variant of Uncertain Significance.

NM_001330078.2(NRXN1):c.3326G>T (p.Cys1109Phe)

Gene: NRXN1 (neurexin 1; minus strand). Cytogenetic location: 2p16.3.
Variant type: single nucleotide variant.
Coding change: c.3326G>T on transcript NM_001330078.2 (MANE Select); coding-DNA position 3326, G replaced by T.
Protein change: p.Cys1109Phe; replaces cysteine 1109 with phenylalanine.
Molecular consequence: missense variant.
Genome position (GRCh38, 1-based): chr2:50,465,480, C>A on the plus strand (G>T on the coding strand, the complement: NRXN1 is on the minus strand). VCF-style: chr2-50465480-C-A. GRCh37 (hg19) VCF-style: chr2-50692618-C-A.
Other names: c.3446G>T, p.Cys1149Phe (NM_001135659.3); c.3302G>T, p.Cys1101Phe (NM_001330077.2, NM_001330082.2); c.3260G>T, p.Cys1087Phe (NM_001330083.2, NM_001330084.2); c.3299G>T, p.Cys1100Phe (NM_001330085.2); c.3326G>T, p.Cys1109Phe (NM_001330086.2, NM_004801.6); c.3215G>T, p.Cys1072Phe (NM_001330087.2, NM_001330096.2); c.3245G>T, p.Cys1082Phe (NM_001330088.2); c.3323G>T, p.Cys1108Phe (NM_001330093.2); and 2 more; short protein forms C1072F, C1149F, C1101F, C1092F, C1100F, C1105F, C1108F, C1109F.
Identifiers: ClinVar variation 4723515 (VCV004723515.1).